The following is an entry in ClinVar:

ClinVar aggregate classification (germline): Conflicting classifications of pathogenicity. Review status: criteria provided, conflicting classifications (1 of 4 stars). 7 submissions from 7 submitters: Uncertain significance (1); Benign (2); Likely benign (4). Last evaluated 2026-07-01.

Conditions:
Hereditary spastic paraplegia. Also called: Familial spastic paraparesis. Identifiers: Orphanet 685, MedGen C0037773, MONDO:0019064. Disease mechanism: loss of function.
Troyer syndrome (SPG20). Identifiers: Orphanet 101000, MedGen C0393559, MONDO:0010156, OMIM 275900.

Allele frequency attached by ClinVar (database versions not stated): 1000 Genomes Project 30x 0.00078; 1000 Genomes Project 0.00080; gnomAD 0.00112 and 0.00113; gnomAD exomes 0.00114 and 0.00153; TOPMed 0.00114; ESP Exome Variant Server 0.00123; ExAC 0.00139.
gnomAD v4.1: 1,934 of 1,614,062 alleles (0.12%); highest among the groups gnomAD compares: Middle Eastern, 2.4%; 19 homozygotes.

Submissions (7):

CeGaT Center for Human Genetics Tuebingen
Classification: Likely benign. Last evaluated: 2026-07-01. Review status: criteria provided, single submitter. Criteria: CeGaT Center For Human Genetics Tuebingen Variant Classification Criteria Version 2. Collection method: clinical testing. Allele origin: germline. Affected: yes. Observed: 6 variant alleles.
Comment: SPART: BP4, BP7

Labcorp Genetics (formerly Invitae), Labcorp
Classification: Likely benign. Last evaluated: 2025-12-23. Review status: criteria provided, single submitter. Criteria: Invitae Variant Classification Sherloc (09022015). Collection method: clinical testing. Allele origin: germline.

Blueprint Genetics
Classification: Likely benign. Last evaluated: 2024-11-13. Review status: criteria provided, single submitter. Criteria: ACMG Guidelines, 2015. Collection method: clinical testing. Allele origin: germline.

GeneDx
Classification: Benign. Last evaluated: 2021-01-27. Review status: criteria provided, single submitter. Criteria: GeneDx Variant Classification Process June 2021. Collection method: clinical testing. Allele origin: germline. Affected: yes.

Athena Diagnostics
Classification: Benign. Last evaluated: 2021-01-15. Review status: criteria provided, single submitter. Criteria: Athena Diagnostics criteria. Collection method: clinical testing. Allele origin: unknown.

Genome Diagnostics Laboratory, The Hospital for Sick Children
Classification: Likely benign for Hereditary spastic paraplegia. Last evaluated: 2017-07-11. Review status: criteria provided, single submitter. Criteria: ACMG Guidelines, 2015. Collection method: clinical testing. Allele origin: germline. Affected: yes.

Illumina Laboratory Services, Illumina
Classification: Uncertain significance for Troyer syndrome. Last evaluated: 2017-04-27. Review status: criteria provided, single submitter. Criteria: ICSL Variant Classification Criteria 13 December 2019. Collection method: clinical testing. Allele origin: germline.

NM_015087.5(SPART):c.75A>G (p.Leu25=)

Gene: SPART (spartin; minus strand). Cytogenetic location: 13q13.3.
Variant type: single nucleotide variant.
Coding change: c.75A>G on transcript NM_015087.5 (MANE Select); coding-DNA position 75, A replaced by G.
Protein change: p.Leu25=; no amino-acid change (leucine 25 retained).
Molecular consequence: synonymous variant.
Genome position (GRCh38, 1-based): chr13:36,335,756, T>C on the plus strand (A>G on the coding strand, the complement: SPART is on the minus strand). VCF-style: chr13-36335756-T-C. GRCh37 (hg19) VCF-style: chr13-36909893-T-C.
Other names: c.75A>G, p.Leu25= (NM_001142294.2, NM_001142295.2, NM_001142296.2).
Identifiers: ClinVar variation 215884 (VCV000215884.55), dbSNP rs148399669, ClinGen allele CA336217.